The following is an entry in ClinVar:

ClinVar aggregate classification (germline): Uncertain significance (1 of 4 stars; one submission).

Submission:

Labcorp Genetics (formerly Invitae), Labcorp
Classification: Uncertain significance. Last evaluated: 2024-12-17. Review status: criteria provided, single submitter. Criteria: Invitae Variant Classification Sherloc (09022015). Collection method: clinical testing. Allele origin: germline.
Comment: This sequence change replaces valine, which is neutral and non-polar, with glycine, which is neutral and non-polar, at codon 190 of the CERKL protein (p.Val190Gly). This variant is not present in population databases (gnomAD no frequency). This variant has not been reported in the literature in individuals affected with CERKL-related conditions. Invitae Evidence Modeling of protein sequence and biophysical properties (such as structural, functional, and spatial information, amino acid conservation, physicochemical variation, residue mobility, and thermodynamic stability) indicates that this missense variant is expected to disrupt CERKL protein function with a positive predictive value of 95%. In summary, the available evidence is currently insufficient to determine the role of this variant in disease. Therefore, it has been classified as a Variant of Uncertain Significance.

NM_201548.5(CERKL):c.569T>G (p.Val190Gly)

Gene: CERKL (CERK like autophagy regulator; minus strand). Cytogenetic location: 2q31.3.
Variant type: single nucleotide variant.
Coding change: c.569T>G on transcript NM_201548.5 (MANE Select); coding-DNA position 569, T replaced by G.
Protein change: p.Val190Gly; replaces valine 190 with glycine.
Molecular consequence: missense variant. On other transcripts: non-coding transcript variant (1), intron variant (2).
Genome position (GRCh38, 1-based): chr2:181,573,797, A>C on the plus strand (T>G on the coding strand, the complement: CERKL is on the minus strand). VCF-style: chr2-181573797-A-C. GRCh37 (hg19) VCF-style: chr2-182438524-A-C.
Other names: c.569T>G, p.Val190Gly (NM_001030311.3, NM_001030313.3); c.482-24089T>G (NM_001030312.3); c.482-7676T>G (NM_001160277.2); short protein forms V190G.
Identifiers: ClinVar variation 3720507 (VCV003720507.2).